The following is an entry in ClinVar:

NM_001365536.1(SCN9A):c.597G>T (p.Ala199=)

Gene: SCN9A (sodium voltage-gated channel alpha subunit 9; minus strand). Cytogenetic location: 2q24.3.
Variant type: single nucleotide variant.
Coding change: c.597G>T on transcript NM_001365536.1 (MANE Select); coding-DNA position 597, G replaced by T.
Protein change: p.Ala199=; no amino-acid change (alanine 199 retained).
Molecular consequence: synonymous variant.
Genome position (GRCh38, 1-based): chr2:166,304,329, C>A on the plus strand (G>T on the coding strand, the complement: SCN9A is on the minus strand). VCF-style: chr2-166304329-C-A. GRCh37 (hg19) VCF-style: chr2-167160839-C-A.
Other names: c.597G>T, p.Ala199= (NM_002977.4).
Identifiers: ClinVar variation 2924809 (VCV002924809.3), dbSNP rs2106524115, ClinGen allele CA429910059.

ClinVar aggregate classification (germline): Uncertain significance (1 of 4 stars; one submission).

Conditions:
Generalized epilepsy with febrile seizures plus, type 7 (GEFSP7). Also called: GEFS+, TYPE 7. Identifiers: Orphanet 36387, MedGen C2751778, MONDO:0013470, OMIM 613863.
Neuropathy, hereditary sensory and autonomic, type 2A (HSAN2A). Also called: ACROOSTEOLYSIS, GIACCAI TYPE; ACROOSTEOLYSIS, NEUROGENIC; HSAN IIA; WNK1-Related HSAN2 (HSAN2A); MORVAN DISEASE; NEUROPATHY, CONGENITAL SENSORY. Identifiers: Orphanet 970, MedGen C2752089, MONDO:0024309, OMIM 201300.

Allele frequency attached by ClinVar (database versions not stated): gnomAD exomes 0.00001.
gnomAD v4.1: 10 of 1,609,586 alleles (0.00062%); highest among the groups gnomAD compares: Non-Finnish European, 0.00085%; no homozygotes.

Submission:

Labcorp Genetics (formerly Invitae), Labcorp
Classification: Uncertain significance for Neuropathy, hereditary sensory and autonomic, type 2A; Generalized epilepsy with febrile seizures plus, type 7. Last evaluated: 2023-06-20. Review status: criteria provided, single submitter. Criteria: Invitae Variant Classification Sherloc (09022015). Collection method: clinical testing. Allele origin: germline.
Comment: In summary, the available evidence is currently insufficient to determine the role of this variant in disease. Therefore, it has been classified as a Variant of Uncertain Significance. Algorithms developed to predict the effect of sequence changes on RNA splicing suggest that this variant may disrupt the consensus splice site. This variant has not been reported in the literature in individuals affected with SCN9A-related conditions. This variant is not present in population databases (gnomAD no frequency). This sequence change affects codon 199 of the SCN9A mRNA. It is a 'silent' change, meaning that it does not change the encoded amino acid sequence of the SCN9A protein. It affects a nucleotide within the consensus splice site.